The following is an entry in ClinVar:

NM_001363711.2(DUOX2):c.4073A>G (p.Tyr1358Cys)

Gene: DUOX2 (dual oxidase 2; minus strand). Cytogenetic location: 15q21.1.
Variant type: single nucleotide variant.
Coding change: c.4073A>G on transcript NM_001363711.2 (MANE Select); coding-DNA position 4073, A replaced by G.
Protein change: p.Tyr1358Cys; replaces tyrosine 1358 with cysteine.
Molecular consequence: missense variant.
Genome position (GRCh38, 1-based): chr15:45,095,835, T>C on the plus strand (A>G on the coding strand, the complement: DUOX2 is on the minus strand). VCF-style: chr15-45095835-T-C. GRCh37 (hg19) VCF-style: chr15-45388033-T-C.
Other names: c.4073A>G, p.Tyr1358Cys (NM_014080.5); short protein forms Y1358C.
Identifiers: ClinVar variation 2794494 (VCV002794494.3), dbSNP rs1595519008, ClinGen allele CA392253381.

ClinVar aggregate classification (germline): Uncertain significance (1 of 4 stars; one submission).

Allele frequency attached by ClinVar (database versions not stated): gnomAD exomes below 0.00001.
gnomAD v4.1: 1 of 1,613,854 alleles (0.000062%); highest among the groups gnomAD compares: Non-Finnish European, 0.000085%; no homozygotes.

Submission:

Labcorp Genetics (formerly Invitae), Labcorp
Classification: Uncertain significance. Last evaluated: 2024-01-16. Review status: criteria provided, single submitter. Criteria: Invitae Variant Classification Sherloc (09022015). Collection method: clinical testing. Allele origin: germline.
Comment: This sequence change replaces tyrosine, which is neutral and polar, with cysteine, which is neutral and slightly polar, at codon 1358 of the DUOX2 protein (p.Tyr1358Cys). This variant is not present in population databases (gnomAD no frequency). This variant has not been reported in the literature in individuals affected with DUOX2-related conditions. Advanced modeling of protein sequence and biophysical properties (such as structural, functional, and spatial information, amino acid conservation, physicochemical variation, residue mobility, and thermodynamic stability) has been performed at Invitae for this missense variant, however the output from this modeling did not meet the statistical confidence thresholds required to predict the impact of this variant on DUOX2 protein function. In summary, the available evidence is currently insufficient to determine the role of this variant in disease. Therefore, it has been classified as a Variant of Uncertain Significance.